The following is an entry in ClinVar:

NM_020163.3(SEMA3G):c.1261C>T (p.Arg421Ter)

Gene: SEMA3G (semaphorin 3G; minus strand). Cytogenetic location: 3p21.1.
Variant type: single nucleotide variant.
Coding change: c.1261C>T on transcript NM_020163.3 (MANE Select); coding-DNA position 1261, C replaced by T.
Protein change: p.Arg421Ter; replaces arginine 421 with a stop codon.
Molecular consequence: nonsense.
Genome position (GRCh38, 1-based): chr3:52,439,981, G>A on the plus strand (C>T on the coding strand, the complement: SEMA3G is on the minus strand). VCF-style: chr3-52439981-G-A. GRCh37 (hg19) VCF-style: chr3-52473997-G-A.
Other names: short protein forms R421*.
Identifiers: ClinVar variation 2635062 (VCV002635062.2), dbSNP rs150788053, ClinGen allele CA2438011.

ClinVar aggregate classification (germline): Uncertain significance (0 of 4 stars; one submission).

Conditions:
SEMA3G-related disorder. Also called: SEMA3G-related condition.

Allele frequency attached by ClinVar (database versions not stated): gnomAD 0.00002; TOPMed 0.00005; ExAC 0.00007; ESP Exome Variant Server 0.00008.
gnomAD v4.1: 62 of 1,613,598 alleles (0.0038%); highest among the groups gnomAD compares: Middle Eastern, 0.033%; no homozygotes.

Submission:

PreventionGenetics, part of Exact Sciences
Classification: Uncertain significance for SEMA3G-related condition. Last evaluated: 2024-03-23. Review status: no assertion criteria provided. Collection method: clinical testing. Allele origin: germline.
Comment: The SEMA3G c.1261C>T variant is predicted to result in premature protein termination (p.Arg421*). To our knowledge, this variant has not been reported in the literature. This variant is reported in 0.016% of alleles in individuals of South Asian descent in gnomAD. Loss-of-function has not been established as a mechanism of disease for SEMA3G. At this time, the clinical significance of this variant is uncertain due to the absence of conclusive functional and genetic evidence.